The following is an entry in ClinVar:

ClinVar aggregate classification (germline): Uncertain significance (1 of 4 stars; one submission).

Conditions:
Mitochondrial DNA depletion syndrome 13. Also called: FBXL4-Related Encephalomyopathic Mitochondrial DNA Depletion Syndrome; Mitochondrial DNA depletion syndrome 13 (encephalomyopathic type). Identifiers: Orphanet 369897, MedGen C3809592, MONDO:0014198, OMIM 615471.

Allele frequency attached by ClinVar (database versions not stated): gnomAD exomes below 0.00001; ExAC 0.00001.
gnomAD v4.1: 1 of 1,613,996 alleles (0.000062%); highest among the groups gnomAD compares: Non-Finnish European, 0.000085%; no homozygotes.

Submission:

Wong Mito Lab, Molecular and Human Genetics, Baylor College of Medicine
Classification: Uncertain significance for Mitochondrial DNA depletion syndrome 13. Last evaluated: 2017-08-10. Review status: criteria provided, single submitter. Criteria: ACMG Guidelines, 2015. Collection method: reference population. Allele origin: germline.
Comment: The NM_012160.4:c.673C>T (NP_036292.2:p.Leu225=) [GRCH38: NC_000006.12:g.98917559G>A] variant in FBXL4 gene is interpretated to be a Uncertain Significance - Conflicting Evidence based on ACMG guidelines (PMID: 25741868). This variant meets one or more of the following evidence codes reported in the ACMG-guideline. PM2:This variant is absent in key population databases. BP4:Computational evidence/predictors indicate no impact on the FBXL4 structure, function, or protein-protein interaction. BP7:The variant is silent with non predicted splice impact. Based on this evidence code ClinGen Pathogenicity Calculator (PMID:28081714) suggested that the variant is Uncertain Significance - Conflicting Evidence.

NM_001278716.2(FBXL4):c.673C>T (p.Leu225=)

Gene: FBXL4 (F-box and leucine rich repeat protein 4; minus strand). Cytogenetic location: 6q16.2.
Variant type: single nucleotide variant.
Coding change: c.673C>T on transcript NM_001278716.2 (MANE Select); coding-DNA position 673, C replaced by T.
Protein change: p.Leu225=; no amino-acid change (leucine 225 retained).
Molecular consequence: synonymous variant.
Genome position (GRCh38, 1-based): chr6:98,917,559, G>A on the plus strand (C>T on the coding strand, the complement: FBXL4 is on the minus strand). VCF-style: chr6-98917559-G-A. GRCh37 (hg19) VCF-style: chr6-99365435-G-A.
Other names: c.673C>T, p.Leu225= (NM_012160.5).
Identifiers: ClinVar variation 437614 (VCV000437614.1), dbSNP rs766767309, ClinGen allele CA3933639.